The following is an entry in ClinVar:

NM_001257180.2(SLC20A2):c.761G>A (p.Arg254Gln)

Gene: SLC20A2 (solute carrier family 20 member 2; minus strand). Cytogenetic location: 8p11.21.
Variant type: single nucleotide variant.
Coding change: c.761G>A on transcript NM_001257180.2 (MANE Select); coding-DNA position 761, G replaced by A.
Protein change: p.Arg254Gln; replaces arginine 254 with glutamine.
Molecular consequence: missense variant.
Genome position (GRCh38, 1-based): chr8:42,439,623, C>T on the plus strand (G>A on the coding strand, the complement: SLC20A2 is on the minus strand). VCF-style: chr8-42439623-C-T. GRCh37 (hg19) VCF-style: chr8-42297141-C-T.
Other names: c.761G>A, p.Arg254Gln (NM_001257181.2, NM_006749.5); c.761G>A (NM_001257180.1); short protein forms R254Q.
Identifiers: ClinVar variation 363087 (VCV000363087.33), dbSNP rs138816265, ClinGen allele CA4733463.

ClinVar aggregate classification (germline): Benign/Likely benign. Review status: criteria provided, multiple submitters, no conflicts (2 of 4 stars). 7 submissions from 7 submitters: Benign (2); Likely benign (4). 1 of the submissions does not count toward it. Last evaluated 2026-01-26.

Conditions:
SLC20A2-related disorder. Also called: SLC20A2-related condition.
Idiopathic basal ganglia calcification 1 (PFBC1A). Also called: Familial Idiopathic Basal Ganglia Calcification 2; Familial Idiopathic Basal Ganglia Calcification 3; Primary Familial Brain Calcification; PRIMARY FAMILIAL BRAIN CALCIFICATION 1A, AUTOSOMAL DOMINANT; Fahr's syndrome; Cerebral calcification nonarteriosclerotic idiopathic adult-onset. Identifiers: Orphanet 1980, MedGen C4551624, MONDO:0024538, OMIM 213600.

Allele frequency attached by ClinVar (database versions not stated): gnomAD exomes 0.00018 and 0.00045; ExAC 0.00057; 1000 Genomes Project 0.00220; 1000 Genomes Project 30x 0.00203; TOPMed 0.00206; ESP Exome Variant Server 0.00208; gnomAD 0.00210 and 0.00193.
gnomAD v4.1: 572 of 1,614,138 alleles (0.035%); highest among the groups gnomAD compares: African/African-American, 0.66%; no homozygotes.

Submissions (8):

Labcorp Genetics (formerly Invitae), Labcorp
Classification: Likely benign. Last evaluated: 2026-01-26. Review status: criteria provided, single submitter. Criteria: Invitae Variant Classification Sherloc (09022015). Collection method: clinical testing. Allele origin: germline.

Blueprint Genetics
Classification: Likely benign. Last evaluated: 2024-11-08. Review status: criteria provided, single submitter. Criteria: ACMG Guidelines, 2015. Collection method: clinical testing. Allele origin: germline.

CeGaT Center for Human Genetics Tuebingen
Classification: Likely benign. Last evaluated: 2024-09-01. Review status: criteria provided, single submitter. Criteria: CeGaT Center For Human Genetics Tuebingen Variant Classification Criteria Version 2. Collection method: clinical testing. Allele origin: germline. Affected: yes. Observed: 1 variant allele.
Comment: SLC20A2: BP4, BS1

GeneDx
Classification: Benign. Last evaluated: 2020-02-03. Review status: criteria provided, single submitter. Criteria: GeneDx Variant Classification Process June 2021. Collection method: clinical testing. Allele origin: germline. Affected: yes.

Illumina Laboratory Services, Illumina
Classification: Benign for Idiopathic basal ganglia calcification 1. Last evaluated: 2018-01-13. Review status: criteria provided, single submitter. Criteria: ICSL Variant Classification Criteria 13 December 2019. Collection method: clinical testing. Allele origin: germline.
Comment: This variant was observed in the ICSL laboratory as part of a predisposition screen in an ostensibly healthy population. It had not been previously curated by ICSL or reported in the Human Gene Mutation Database (HGMD: prior to June 1st, 2018), and was therefore a candidate for classification through an automated scoring system. Utilizing variant allele frequency, disease prevalence and penetrance estimates, and inheritance mode, an automated score was calculated to assess if this variant is too frequent to cause the disease. Based on the score and internal cut-off values, a variant classified as benign is not then subjected to further curation. The score for this variant resulted in a classification of benign for this disease.

Breakthrough Genomics
Classification: Likely benign. Review status: criteria provided, single submitter. Criteria: ACMG Guidelines, 2015. Collection method: not provided. Allele origin: germline. Inheritance: Autosomal dominant inheritance. Affected: yes.

PreventionGenetics, part of Exact Sciences
Classification: Benign for SLC20A2-related condition. Last evaluated: 2019-12-24. Review status: no assertion criteria provided. Collection method: clinical testing. Allele origin: germline. Not counted in ClinVar's aggregate classification.
Comment: This variant is classified as benign based on ACMG/AMP sequence variant interpretation guidelines (Richards et al. 2015 PMID: 25741868, with internal and published modifications).

Dr. Peter K. Rogan Lab, Western University
No classification provided (evidence only). Condition: Uterine corpus endometrial carcinoma. Review status: no classification provided. Collection method: in vitro. Allele origin: not applicable. Functional consequence: retained intron. Not counted in ClinVar's aggregate classification.